The following is an entry in ClinVar:

NM_002474.3(MYH11):c.1567G>C (p.Glu523Gln)

Gene: MYH11 (myosin heavy chain 11; minus strand). Cytogenetic location: 16p13.11.
Variant type: single nucleotide variant.
Coding change: c.1567G>C on transcript NM_002474.3 (MANE Select); coding-DNA position 1567, G replaced by C.
Protein change: p.Glu523Gln; replaces glutamic acid 523 with glutamine.
Molecular consequence: missense variant.
Genome position (GRCh38, 1-based): chr16:15,757,835, C>G on the plus strand (G>C on the coding strand, the complement: MYH11 is on the minus strand). VCF-style: chr16-15757835-C-G. GRCh37 (hg19) VCF-style: chr16-15851692-C-G.
Other names: c.1588G>C, p.Glu530Gln (NM_001040113.2, NM_001040114.2); c.1567G>C, p.Glu523Gln (NM_022844.3); short protein forms E523Q, E530Q.
Identifiers: ClinVar variation 521044 (VCV000521044.5), dbSNP rs1555562770, ClinGen allele CA394870653.

ClinVar aggregate classification (germline): Uncertain significance (1 of 4 stars; one submission).

Conditions:
Familial thoracic aortic aneurysm and aortic dissection (TAAD). Also called: Thoracic aortic aneurysms and dissections. Identifiers: Orphanet 91387, MedGen C4707243, MONDO:0019625.

Allele frequency attached by ClinVar (database versions not stated): gnomAD 0.00001; TOPMed below 0.00001.
gnomAD v4.1: 1 of 1,614,042 alleles (0.000062%); highest among the groups gnomAD compares: Non-Finnish European, 0.000085%; no homozygotes.

Submission:

Ambry Genetics
Classification: Uncertain significance for Familial thoracic aortic aneurysm and aortic dissection. Last evaluated: 2026-04-22. Review status: criteria provided, single submitter. Criteria: Ambry Variant Classification Scheme 2023. Collection method: clinical testing. Allele origin: germline.
Comment: The c.1567G>C (p.E523Q) alteration is located in exon 13 (coding exon 12) of the MYH11 gene. This alteration results from a G to C substitution at nucleotide position 1567, causing the glutamic acid (E) at amino acid position 523 to be replaced by a glutamine (Q). This variant was not reported in population-based cohorts in the Genome Aggregation Database (gnomAD). This variant has been identified in conjunction with other MYH11 variant(s) in individual(s) with features consistent with MYH11-related megacystis-microcolon-intestinal hypoperistalsis syndrome; in at least one instance, the variants were identified in trans (Kapur, 2023). This amino acid position is highly conserved in available vertebrate species. This alteration is predicted to be deleterious by in silico analysis. Based on insufficient or conflicting evidence, the clinical significance of this alteration remains unclear.

Literature cited by the submitters: PubMed 8316857; PubMed 36571289.